The following is an entry in ClinVar:

NM_177531.6(PKHD1L1):c.542C>G (p.Ser181Ter)

Gene: PKHD1L1 (PKHD1 like 1; plus strand). Cytogenetic location: 8q23.1.
Variant type: single nucleotide variant.
Coding change: c.542C>G on transcript NM_177531.6 (MANE Select); coding-DNA position 542, C replaced by G.
Protein change: p.Ser181Ter; replaces serine 181 with a stop codon.
Molecular consequence: nonsense.
Genome position (GRCh38, 1-based): chr8:109,385,603, C>G. VCF-style: chr8-109385603-C-G. GRCh37 (hg19) VCF-style: chr8-110397832-C-G.
Other names: short protein forms S181*.
Identifiers: ClinVar variation 4849387 (VCV004849387.1).

ClinVar aggregate classification (germline): Likely pathogenic (1 of 4 stars; one submission).

Conditions:
Autosomal recessive nonsyndromic hearing loss 124. Also called: DEAFNESS, AUTOSOMAL RECESSIVE 124. Identifiers: MedGen C5935612, MONDO:0968981, OMIM 620794.

Submission:

First Genomix Gene Laboratory, Genetic Diagnostics Department
Classification: Likely pathogenic for Autosomal recessive nonsyndromic hearing loss 124. Last evaluated: 2025-06-17. Review status: criteria provided, single submitter. Criteria: ACMG Guidelines, 2015. Collection method: clinical testing. Allele origin: germline. Inheritance: Autosomal recessive inheritance. Affected: no. Observed: 1 variant allele.